The following is an entry in ClinVar:

NM_001365276.2(TNXB):c.7387G>A (p.Glu2463Lys)

Gene: TNXB (tenascin XB; minus strand). Cytogenetic location: 6p21.33.
Variant type: single nucleotide variant.
Coding change: c.7387G>A on transcript NM_001365276.2 (MANE Select); coding-DNA position 7387, G replaced by A.
Protein change: p.Glu2463Lys; replaces glutamic acid 2463 with lysine.
Molecular consequence: missense variant.
Genome position (GRCh38, 1-based): chr6:32,061,502, C>T on the plus strand (G>A on the coding strand, the complement: TNXB is on the minus strand). VCF-style: chr6-32061502-C-T. GRCh37 (hg19) VCF-style: chr6-32029279-C-T.
Other names: c.7387G>A, p.Glu2463Lys (NM_019105.8); short protein forms E2463K.
Identifiers: ClinVar variation 1254834 (VCV001254834.6), dbSNP rs373402661, ClinGen allele CA3734169.

ClinVar aggregate classification (germline): Uncertain significance. Review status: criteria provided, multiple submitters, no conflicts (2 of 4 stars). 3 submissions from 3 submitters: Uncertain significance (3). Last evaluated 2026-08-01.

Conditions:
TNXB-related disorder. Also called: TNXB-related condition.
Cardiovascular phenotype. Identifiers: MedGen CN230736.

Allele frequency attached by ClinVar (database versions not stated): ExAC 0.00003; gnomAD exomes 0.00003; TOPMed 0.00005; gnomAD 0.00006 and 0.00007; ESP Exome Variant Server 0.00013.
gnomAD v4.1: 54 of 1,613,576 alleles (0.0033%); highest among the groups gnomAD compares: African/African-American, 0.0053%; no homozygotes.

Submissions (3):

PreventionGenetics, part of Exact Sciences
Classification: Uncertain significance for TNXB-related condition. Last evaluated: 2026-08-01. Review status: criteria provided, single submitter. Criteria: ACMG Guidelines, 2015. Collection method: clinical testing. Allele origin: germline.
Comment: The TNXB c.7387G>A variant is predicted to result in the amino acid substitution p.Glu2463Lys. To our knowledge, this variant has not been reported in the literature. This variant is reported in 0.0066% of alleles in individuals of African descent in gnomAD. At this time, the clinical significance of this variant is uncertain due to the absence of conclusive functional and genetic evidence.

Ambry Genetics
Classification: Uncertain significance for Cardiovascular phenotype. Last evaluated: 2024-12-10. Review status: criteria provided, single submitter. Criteria: Ambry Variant Classification Scheme 2023. Collection method: clinical testing. Allele origin: germline.

GeneDx
Classification: Uncertain significance. Last evaluated: 2022-08-02. Review status: criteria provided, single submitter. Criteria: GeneDx Variant Classification Process June 2021. Collection method: clinical testing. Allele origin: germline. Affected: yes.
Comment: Has not been previously published as pathogenic or benign to our knowledge; In silico analysis supports that this missense variant does not alter protein structure/function